The following is an entry in ClinVar:

ClinVar aggregate classification (germline): Uncertain significance (1 of 4 stars; one submission).

Conditions:
Beckwith-Wiedemann syndrome (BWS). Also called: EMG SYNDROME; Exomphalos macroglossia gigantism syndrome. Identifiers: Orphanet 116, MedGen C0004903, MONDO:0007534, OMIM 130650.

Allele frequency attached by ClinVar (database versions not stated): gnomAD exomes 0.00001.

Submission:

Labcorp Genetics (formerly Invitae), Labcorp
Classification: Uncertain significance for Beckwith-Wiedemann syndrome. Last evaluated: 2025-07-01. Review status: criteria provided, single submitter. Criteria: Invitae Variant Classification Sherloc (09022015). Collection method: clinical testing. Allele origin: germline.
Comment: This sequence change replaces leucine, which is neutral and non-polar, with valine, which is neutral and non-polar, at codon 42 of the CDKN1C protein (p.Leu42Val). This variant is not present in population databases (gnomAD no frequency). This variant has not been reported in the literature in individuals affected with CDKN1C-related conditions. ClinVar contains an entry for this variant (Variation ID: 2917937). Invitae Evidence Modeling of protein sequence and biophysical properties (such as structural, functional, and spatial information, amino acid conservation, physicochemical variation, residue mobility, and thermodynamic stability) has been performed for this missense variant. However, the output from this modeling did not meet the statistical confidence thresholds required to predict the impact of this variant on CDKN1C protein function. This variant disrupts the p.Leu42 amino acid residue in CDKN1C. Other variant(s) that disrupt this residue have been determined to be pathogenic (PMID: 11414765, 22634751, 25861374, 26077438). This suggests that this residue is clinically significant, and that variants that disrupt this residue are likely to be disease-causing. In summary, the available evidence is currently insufficient to determine the role of this variant in disease. Therefore, it has been classified as a Variant of Uncertain Significance.

Literature cited by the submitters: PubMed 11414765; PubMed 22634751; PubMed 25861374; PubMed 26077438.

NM_001122630.2(CDKN1C):c.91C>G (p.Leu31Val)

Gene: CDKN1C (cyclin dependent kinase inhibitor 1C; minus strand). Cytogenetic location: 11p15.4.
Variant type: single nucleotide variant.
Coding change: c.91C>G on transcript NM_001122630.2 (MANE Select); coding-DNA position 91, C replaced by G.
Protein change: p.Leu31Val; replaces leucine 31 with valine.
Molecular consequence: missense variant.
Genome position (GRCh38, 1-based): chr11:2,885,366, G>C on the plus strand (C>G on the coding strand, the complement: CDKN1C is on the minus strand). VCF-style: chr11-2885366-G-C. GRCh37 (hg19) VCF-style: chr11-2906596-G-C.
Other names: c.124C>G, p.Leu42Val (NM_001362474.2, NM_000076.2); c.91C>G, p.Leu31Val (NM_001362475.2, NM_001122631.2); short protein forms L42V, L31V.
Identifiers: ClinVar variation 2917937 (VCV002917937.3), dbSNP rs2133786240, ClinGen allele CA379147684.